The following is an entry in ClinVar:

NM_033419.5(PGAP3):c.35C>A (p.Ala12Asp)

Gene: PGAP3 (post-GPI attachment to proteins phospholipase 3; minus strand). Cytogenetic location: 17q12.
Variant type: single nucleotide variant.
Coding change: c.35C>A on transcript NM_033419.5 (MANE Select); coding-DNA position 35, C replaced by A.
Protein change: p.Ala12Asp; replaces alanine 12 with aspartic acid.
Molecular consequence: missense variant.
Genome position (GRCh38, 1-based): chr17:39,687,980, G>T on the plus strand (C>A on the coding strand, the complement: PGAP3 is on the minus strand). VCF-style: chr17-39687980-G-T. GRCh37 (hg19) VCF-style: chr17-37844233-G-T.
Other names: c.35C>A, p.Ala12Asp (NM_001291726.2, NM_001291728.2, NM_001291730.2 and 2 more transcripts); short protein forms A12D.
Identifiers: ClinVar variation 1305747 (VCV001305747.2), dbSNP rs2057595944, ClinGen allele CA399262124.

ClinVar aggregate classification (germline): Uncertain significance (1 of 4 stars; one submission).

Submission:

GeneDx
Classification: Uncertain significance. Last evaluated: 2019-05-15. Review status: criteria provided, single submitter. Criteria: GeneDx Variant Classification Process June 2021. Collection method: clinical testing. Allele origin: germline. Affected: yes.
Comment: Not observed in large population cohorts (Lek et al., 2016); In silico analysis, which includes splice predictors and evolutionary conservation, supports a deleterious effect; Has not been previously published as pathogenic or benign to our knowledge